The following is an entry in ClinVar:

NM_002047.4(GARS1):c.1181A>G (p.Asp394Gly)

Gene: GARS1 (glycyl-tRNA synthetase 1; plus strand). Cytogenetic location: 7p14.3.
Variant type: single nucleotide variant.
Coding change: c.1181A>G on transcript NM_002047.4 (MANE Select); coding-DNA position 1181, A replaced by G.
Protein change: p.Asp394Gly; replaces aspartic acid 394 with glycine.
Molecular consequence: missense variant.
Genome position (GRCh38, 1-based): chr7:30,616,045, A>G. VCF-style: chr7-30616045-A-G. GRCh37 (hg19) VCF-style: chr7-30655661-A-G.
Other names: c.1181A>G (LRG_243t1); c.1019A>G, p.Asp340Gly (NM_001316772.1); short protein forms D394G, D340G.
Identifiers: ClinVar variation 581177 (VCV000581177.9), dbSNP rs1278294610, ClinGen allele CA367126548.

ClinVar aggregate classification (germline): Uncertain significance. Review status: criteria provided, multiple submitters, no conflicts (2 of 4 stars). 2 submissions from 2 submitters: Uncertain significance (2). Last evaluated 2026-09-11.

Conditions:
Charcot-Marie-Tooth disease type 2. Also called: Charcot-Marie-Tooth type 2. Identifiers: Orphanet 64746, MedGen C0270914, MONDO:0018993.

Submissions (2):

Ambry Genetics
Classification: Uncertain significance. Last evaluated: 2026-09-11. Review status: criteria provided, single submitter. Criteria: Ambry Variant Classification Scheme 2023. Collection method: clinical testing. Allele origin: germline.

Labcorp Genetics (formerly Invitae), Labcorp
Classification: Uncertain significance for Charcot-Marie-Tooth disease type 2. Last evaluated: 2018-06-04. Review status: criteria provided, single submitter. Criteria: Invitae Variant Classification Sherloc (09022015). Collection method: clinical testing. Allele origin: germline.
Comment: In summary, the available evidence is currently insufficient to determine the role of this variant in disease. Therefore, it has been classified as a Variant of Uncertain Significance. Algorithms developed to predict the effect of sequence changes on RNA splicing suggest that this variant may create or strengthen a splice site, but this prediction has not been confirmed by published transcriptional studies. Algorithms developed to predict the effect of missense changes on protein structure and function are either unavailable or do not agree on the potential impact of this missense change (SIFT: "Deleterious"; PolyPhen-2: "Possibly Damaging"; Align-GVGD: "Class C15"). This variant has not been reported in the literature in individuals with GARS-related disease. This variant is not present in population databases (ExAC no frequency). This sequence change replaces aspartic acid with glycine at codon 394 of the GARS protein (p.Asp394Gly). The aspartic acid residue is moderately conserved and there is a moderate physicochemical difference between aspartic acid and glycine.